The following is an entry in ClinVar:

NM_018082.6(POLR3B):c.1706A>G (p.Asn569Ser)

Gene: POLR3B (RNA polymerase III subunit B; plus strand). Cytogenetic location: 12q23.3.
Variant type: single nucleotide variant.
Coding change: c.1706A>G on transcript NM_018082.6 (MANE Select); coding-DNA position 1706, A replaced by G.
Protein change: p.Asn569Ser; replaces asparagine 569 with serine.
Molecular consequence: missense variant.
Genome position (GRCh38, 1-based): chr12:106,433,797, A>G. VCF-style: chr12-106433797-A-G. GRCh37 (hg19) VCF-style: chr12-106827575-A-G.
Other names: c.1532A>G, p.Asn511Ser (NM_001160708.2); short protein forms N511S, N569S.
Identifiers: ClinVar variation 5041340 (VCV005041340.1).

ClinVar aggregate classification (germline): Uncertain significance (1 of 4 stars; one submission).

gnomAD v4.1: 16 of 1,613,308 alleles (0.00099%); highest among the groups gnomAD compares: South Asian, 0.018%; no homozygotes.

Submission:

CeGaT Center for Human Genetics Tuebingen
Classification: Uncertain significance. Last evaluated: 2026-10-01. Review status: criteria provided, single submitter. Criteria: CeGaT Center For Human Genetics Tuebingen Variant Classification Criteria Version 2. Collection method: clinical testing. Allele origin: germline. Affected: yes. Observed: 1 variant allele.
Comment: POLR3B: PM2